The following is an entry in ClinVar:

NM_001040108.2(MLH3):c.4177T>C (p.Cys1393Arg)

Gene: MLH3 (mutL homolog 3; minus strand). Cytogenetic location: 14q24.3.
Variant type: single nucleotide variant.
Coding change: c.4177T>C on transcript NM_001040108.2 (MANE Select); coding-DNA position 4177, T replaced by C.
Protein change: p.Cys1393Arg; replaces cysteine 1393 with arginine.
Molecular consequence: missense variant.
Genome position (GRCh38, 1-based): chr14:75,018,894, A>G on the plus strand (T>C on the coding strand, the complement: MLH3 is on the minus strand). VCF-style: chr14-75018894-A-G. GRCh37 (hg19) VCF-style: chr14-75485597-A-G.
Other names: c.4105T>C, p.Cys1369Arg (NM_014381.3); short protein forms C1393R, C1369R.
Identifiers: ClinVar variation 1738461 (VCV001738461.3), dbSNP rs2503044419, ClinGen allele CA390418919.

ClinVar aggregate classification (germline): Uncertain significance (1 of 4 stars; one submission).

Submission:

Ambry Genetics
Classification: Uncertain significance. Last evaluated: 2024-12-02. Review status: criteria provided, single submitter. Criteria: Ambry Variant Classification Scheme 2023. Collection method: clinical testing. Allele origin: germline.
Comment: The p.C1393R variant (also known as c.4177T>C), located in coding exon 11 of the MLH3 gene, results from a T to C substitution at nucleotide position 4177. The cysteine at codon 1393 is replaced by arginine, an amino acid with highly dissimilar properties. This amino acid position is conserved. In addition, this alteration is predicted to be deleterious by in silico analysis. Since supporting evidence is limited at this time, the clinical significance of this alteration remains unclear.